The following is an entry in ClinVar:

NM_004006.3(DMD):c.5163G>C (p.Lys1721Asn)

Gene: DMD (dystrophin; minus strand). Cytogenetic location: Xp21.1.
Variant type: single nucleotide variant.
Coding change: c.5163G>C on transcript NM_004006.3 (MANE Select); coding-DNA position 5163, G replaced by C.
Protein change: p.Lys1721Asn; replaces lysine 1721 with asparagine.
Molecular consequence: missense variant.
Genome position (GRCh38, 1-based): chrX:32,362,950, C>G on the plus strand (G>C on the coding strand, the complement: DMD is on the minus strand). VCF-style: chrX-32362950-C-G. GRCh37 (hg19) VCF-style: chrX-32381067-C-G.
Other names: c.5139G>C, p.Lys1713Asn (NM_000109.4); c.5151G>C, p.Lys1717Asn (NM_004009.3); c.4794G>C, p.Lys1598Asn (NM_004010.3); c.1140G>C, p.Lys380Asn (NM_004011.4); c.1131G>C, p.Lys377Asn (NM_004012.4); short protein forms K1721N, K1717N, K377N, K380N, K1598N, K1713N.
Identifiers: ClinVar variation 455905 (VCV000455905.32), dbSNP rs72468630, ClinGen allele CA10378748.

ClinVar aggregate classification (germline): Benign/Likely benign. Review status: criteria provided, multiple submitters, no conflicts (2 of 4 stars). 12 submissions from 12 submitters: Benign (5); Likely benign (5). 2 of the submissions do not count toward it. Last evaluated 2026-01-28.

Conditions:
Dilated cardiomyopathy 3B (CMD3B). Also called: CMD3B: DMD-Related Dilated Cardiomyopathy; CARDIOMYOPATHY, DILATED, X-LINKED; DMD-Associated Dilated Cardiomyopathy. Identifiers: Orphanet 154, MedGen C3668940, MONDO:0010542, OMIM 302045.
DMD-related disorder. Also called: DMD-related condition.
Becker muscular dystrophy (BMD). Also called: Becker Muscular Dystrophy (BMD); MUSCULAR DYSTROPHY, PSEUDOHYPERTROPHIC PROGRESSIVE, BECKER TYPE. Identifiers: Orphanet 98895, MedGen C0917713, MONDO:0010311, OMIM 300376.
Dystrophin deficiency.
Duchenne muscular dystrophy (DMD). Also called: MUSCULAR DYSTROPHY, PSEUDOHYPERTROPHIC PROGRESSIVE, DUCHENNE TYPE; Duchenne Muscular Dystrophy (DMD). Identifiers: Orphanet 98896, MedGen C0013264, MONDO:0010679, OMIM 310200.
Cardiomyopathy (CMYO). Also called: Cardiomyopathies. Identifiers: Orphanet 167848, MedGen C0878544, MONDO:0004994, HP:0001638. Inheritance: Various modes of inheritance.
Cardiovascular phenotype. Identifiers: MedGen CN230736.

Allele frequency attached by ClinVar (database versions not stated): gnomAD 0.00021 and 0.00029; TOPMed 0.00063; 1000 Genomes Project 0.00106; ExAC 0.00120; 1000 Genomes Project 30x 0.00125.
gnomAD v4.1: 363 of 1,206,361 alleles (0.03%); highest among the groups gnomAD compares: East Asian, 0.82%; 1 homozygote.

Submissions (12):

Labcorp Genetics (formerly Invitae), Labcorp
Classification: Benign for Duchenne muscular dystrophy. Last evaluated: 2026-01-28. Review status: criteria provided, single submitter. Criteria: Invitae Variant Classification Sherloc (09022015). Collection method: clinical testing. Allele origin: germline.

Molecular Diagnostic Laboratory for Inherited Cardiovascular Disease, Montreal Heart Institute
Classification: Likely benign. Last evaluated: 2025-04-09. Review status: criteria provided, single submitter. Criteria: ACMG Guidelines, 2015. Collection method: clinical testing. Allele origin: germline. Affected: no.

Blueprint Genetics
Classification: Likely benign. Last evaluated: 2024-11-07. Review status: criteria provided, single submitter. Criteria: ACMG Guidelines, 2015. Collection method: clinical testing. Allele origin: germline.

ARUP Laboratories, Molecular Genetics and Genomics, ARUP Laboratories
Classification: Benign. Last evaluated: 2023-11-09. Review status: criteria provided, single submitter. Criteria: ARUP Molecular Germline Variant Investigation Process 2024. Collection method: clinical testing. Allele origin: germline.

Women's Health and Genetics/Laboratory Corporation of America, LabCorp
Classification: Likely benign. Last evaluated: 2021-01-04. Review status: criteria provided, single submitter. Criteria: LabCorp Variant Classification Summary - May 2015. Collection method: clinical testing. Allele origin: germline.
Comment: Variant summary: DMD c.5163G>C (p.Lys1721Asn) results in a non-conservative amino acid change in the encoded protein sequence. Three of five in-silico tools predict a damaging effect of the variant on protein function. 4/4 computational tools predict no significant impact on normal splicing. However, these predictions have yet to be confirmed by functional studies. The variant allele was found at a frequency of 0.0011 in 177459 control chromosomes, predominantly at a frequency of 0.013 within the East Asian subpopulation in the gnomAD database, including 1 homozygote. The observed variant frequency within East Asian control individuals in the gnomAD database is approximately 1179 fold of the estimated maximal expected allele frequency for a pathogenic variant in DMD causing Dystrophinopathies phenotype (1.1e-05), strongly suggesting that the variant is a benign polymorphism found primarily in populations of East Asian origin. c.5163G>C has been reported in the literature in at least an individual affected with Dystrophinopathies (e.g. Kong_2019). This report however, does not provide unequivocal conclusions about association of the variant with Dystrophinopathies. Co-occurrence with another likely pathogenic variant has been reported (DMD c.5476G>T, p.E1826X) in our internal database, providing supporting evidence for a benign role. To our knowledge, no experimental evidence demonstrating an impact on protein function has been reported. Three ClinVar submitters (evaluation after 2014) cite the variant as benign/likely benign. Based on the evidence outlined above, the variant was classified as likely benign.

GeneDx
Classification: Benign. Last evaluated: 2018-09-20. Review status: criteria provided, single submitter. Criteria: GeneDx Variant Classification Process June 2021. Collection method: clinical testing. Allele origin: germline. Affected: yes.
Comment: This variant is associated with the following publications: (PMID: 19937601, 29604111)

Genetic Services Laboratory, University of Chicago
Classification: Benign. Last evaluated: 2018-04-20. Review status: criteria provided, single submitter. Criteria: ACMG Guidelines, 2015. Collection method: clinical testing. Allele origin: germline. Affected: no.

Illumina Laboratory Services, Illumina
Classification: Likely benign for Dilated cardiomyopathy 3B. Last evaluated: 2017-06-15. Review status: criteria provided, single submitter. Criteria: ICSL Variant Classification Criteria 13 December 2019. Collection method: clinical testing. Allele origin: germline.
Comment: This variant was observed as part of a predisposition screen in an ostensibly healthy population. A literature search was performed for the gene, cDNA change, and amino acid change (where applicable). Publications were found based on this search. The evidence from the literature, in combination with allele frequency data from public databases where available, was sufficient to determine this variant is unlikely to cause disease. Therefore, this variant is classified as likely benign.

Ambry Genetics
Classification: Benign for Cardiovascular phenotype. Last evaluated: 2015-09-04. Review status: criteria provided, single submitter. Criteria: Ambry Variant Classification Scheme 2023. Collection method: clinical testing. Allele origin: germline.

Breakthrough Genomics
Classification: Likely benign. Review status: criteria provided, single submitter. Criteria: ACMG Guidelines, 2015. Collection method: not provided. Allele origin: germline. Inheritance: X-linked inheritance. Affected: yes.

Natera, Inc.
Classification: Benign for Becker muscular dystrophy; Cardiomyopathy; Duchenne muscular dystrophy; Dystrophin deficiency. Last evaluated: 2020-04-12. Review status: no assertion criteria provided. Collection method: clinical testing. Allele origin: germline. Not counted in ClinVar's aggregate classification.

PreventionGenetics, part of Exact Sciences
Classification: Benign for DMD-related condition. Last evaluated: 2019-04-18. Review status: no assertion criteria provided. Collection method: clinical testing. Allele origin: germline. Not counted in ClinVar's aggregate classification.
Comment: This variant is classified as benign based on ACMG/AMP sequence variant interpretation guidelines (Richards et al. 2015 PMID: 25741868, with internal and published modifications).

Literature cited by the submitters: PubMed 31412794 (cited by Women's Health and Genetics/Laboratory Corporation of America, LabCorp); PubMed 26260725 (cited by Illumina Laboratory Services, Illumina); PubMed 18583217 (cited by Illumina Laboratory Services, Illumina); PubMed 19937601 (cited by Ambry Genetics).